The following is an entry in ClinVar:

NM_175914.5(HNF4A):c.1198C>T (p.Arg400Ter)

Gene: HNF4A (hepatocyte nuclear factor 4 alpha; plus strand). Cytogenetic location: 20q13.12.
Variant type: single nucleotide variant.
Coding change: c.1198C>T on transcript NM_175914.5 (MANE Select); coding-DNA position 1198, C replaced by T.
Protein change: p.Arg400Ter; replaces arginine 400 with a stop codon.
Molecular consequence: nonsense. On other transcripts: intron variant (3).
Genome position (GRCh38, 1-based): chr20:44,428,469, C>T. VCF-style: chr20-44428469-C-T. GRCh37 (hg19) VCF-style: chr20-43057109-C-T.
Other names: c.1264C>T, p.Arg422Ter (NM_000457.6); c.1243C>T, p.Arg415Ter (NM_001258355.2); c.1189C>T, p.Arg397Ter (NM_001287183.2); c.1177+12C>T (NM_001287182.2); c.1186+12C>T (NM_001030003.3); c.1252+12C>T (NM_178849.3); short protein forms R397*, R400*, R415*, R422*.
Identifiers: ClinVar variation 1324537 (VCV001324537.15), dbSNP rs1413742263, ClinGen allele CA409110243.
Genomic context (GRCh38, chr20:44,428,469, plus strand): 5'-GTCATCGTTGCCAACACAATGCCCACTCACCTCAGCAACGGACAGATGTGTGAGTGGCCC[C>T]GACCCAGGGGACAGGCAGGTGGGCAAACTCTGGGATTTTACCTTGCAAAGGGTGAGGATG-3'

ClinVar aggregate classification (germline): Conflicting classifications of pathogenicity. Review status: criteria provided, conflicting classifications (1 of 4 stars). 6 submissions from 6 submitters: Pathogenic (2); Likely pathogenic (1); Uncertain significance (2). 1 of the submissions does not count toward it. Last evaluated 2026-02-17.

Conditions:
Maturity-onset diabetes of the young type 1. Also called: MODY, type I; MODY type 1; Diabetes mellitus MODY type 1; MODY HNF4A related; HNF4A-Related Maturity-Onset Diabetes of the Young Type 1; MILD JUVENILE DIABETES MELLITUS. Identifiers: Orphanet 552, MedGen C1852093, MONDO:0007452, OMIM 125850. Disease mechanism: loss of function.
Type 2 diabetes mellitus. Also called: Type II diabetes mellitus. Identifiers: MedGen C0011860, MeSH D003924, MONDO:0005148, OMIM 125853, HP:0005978.
Fanconi renotubular syndrome 4 with maturity-onset diabetes of the young (FRTS4). Also called: FRTS4 WITH MODY. Identifiers: Orphanet 93111, MedGen C4014962, MONDO:0014458, OMIM 616026.

Allele frequency attached by ClinVar (database versions not stated): gnomAD exomes below 0.00001 and 0.00001; TOPMed below 0.00001; gnomAD 0.00001.

Submissions (6):

Victorian Clinical Genetics Services, Murdoch Childrens Research Institute
Classification: Likely pathogenic for Maturity-onset diabetes of the young type 1. Last evaluated: 2026-02-17. Review status: criteria provided, single submitter. Criteria: ACMG Guidelines, 2015. Collection method: clinical testing. Allele origin: germline. Affected: yes.
Comment: This variant is classified as Likely pathogenic. Evidence in support of pathogenic classification: Variant is predicted to result in a truncated protein (premature termination codon is NOT located at least 54 nucleotides upstream of the final exon-exon junction) with less than 1/3 of the protein sequence affected; Variant is present in gnomAD <0.001 for a dominant condition (v4: 5 heterozygote(s), 0 homozygote(s)); Other protein truncating variant(s) comparable to the one identified in this case have moderate previous evidence for pathogenicity. These nearby changes have been classified as pathogenic by a clinical laboratory in ClinVar, including by an expert panel. Additionally, one of these changes (p.(Ser419*)) has been reported as de novo in an individual with MODY (PMID: 24323243). Additional information: This variant is heterozygous; This gene is associated with autosomal dominant disease. Fanconi renotubular syndrome 4, with maturity-onset diabetes of the young (MIM#616026) is associated with a single recurring missense variant (PMID: 20164212); Previous reports of pathogenicity for this variant are conflicting. This variant has been classified as a VUS and as pathogenic by a clinical laboratory in ClinVar. It has been observed in a proband with MODY, but also present twice each in the proband's relatives and a control cohort (PMID: 36257325). Additionally, it was present in a healthy neonate and regarded as likely pathogenic (PMID: 37523181); No published functional evidence has been identified for this variant; Variant is not located in an established domain, motif, hotspot or informative constraint region; Loss of function and dominant negative are known mechanisms of disease in this gene. Loss of function through a reduction of DNA binding is associated with MODY, type I (MIM#125850) and diabetes mellitus, noninsulin-dependent (MIM#125853) (OMIM; PMID: 31875549). Dominant negative is associated with Fanconi renotubular syndrome 4, with maturity-onset diabetes of the young (MIM#616026) (PMID: 31875549). - The condition associated with this gene has incomplete penetrance (PMID: 36257325); Inheritance information for this variant is not currently available in this individual.

Fulgent Genetics
Classification: Pathogenic for Maturity-onset diabetes of the young type 1; Type 2 diabetes mellitus; Fanconi renotubular syndrome 4 with maturity-onset diabetes of the young. Last evaluated: 2024-01-04. Review status: criteria provided, single submitter. Criteria: ACMG Guidelines, 2015. Collection method: clinical testing. Allele origin: germline.

Geisinger Clinic, Geisinger Health System
Classification: Pathogenic for Maturity-onset diabetes of the young type 1. Last evaluated: 2022-08-02. Review status: criteria provided, single submitter. Criteria: ACMG Guidelines, 2015. Collection method: research. Allele origin: germline. Inheritance: Autosomal dominant inheritance. Affected: yes. Observed: 2 variant alleles.
Comment: PVS1, PM2, PP4, PP1

CENTOGENE GmbH and LLC - Guiding Precision Medicine
Classification: Uncertain significance for Type 2 diabetes mellitus. Last evaluated: 2019-07-16. Review status: criteria provided, single submitter. Criteria: ACMG Guidelines, 2015. Collection method: clinical testing. Allele origin: germline. Affected: no.

Breakthrough Genomics
Classification: Uncertain significance. Review status: criteria provided, single submitter. Criteria: ACMG Guidelines, 2015. Collection method: not provided. Allele origin: germline. Inheritance: Autosomal dominant inheritance. Affected: yes.

Genomics And Bioinformatics Analysis Resource, Columbia University
Classification: Likely pathogenic for Maturity-onset diabetes of the young type 1. Review status: no assertion criteria provided. Collection method: research. Allele origin: unknown. Affected: yes. Not counted in ClinVar's aggregate classification.

Literature cited by the submitters: PubMed 20164212 (cited by Victorian Clinical Genetics Services, Murdoch Childrens Research Institute); PubMed 36257325 (cited by Victorian Clinical Genetics Services, Murdoch Childrens Research Institute and Geisinger Clinic, Geisinger Health System); PubMed 37523181 (cited by Victorian Clinical Genetics Services, Murdoch Childrens Research Institute); PubMed 31875549 (cited by Victorian Clinical Genetics Services, Murdoch Childrens Research Institute); PubMed 24323243 (cited by Victorian Clinical Genetics Services, Murdoch Childrens Research Institute).